The following is an entry in ClinVar:

NM_000179.3(MSH6):c.3389T>C (p.Val1130Ala)

Gene: MSH6 (mutS homolog 6; plus strand). Cytogenetic location: 2p16.3.
Variant type: single nucleotide variant.
Coding change: c.3389T>C on transcript NM_000179.3 (MANE Select); coding-DNA position 3389, T replaced by C.
Protein change: p.Val1130Ala; replaces valine 1130 with alanine.
Molecular consequence: missense variant.
Genome position (GRCh38, 1-based): chr2:47,803,636, T>C. VCF-style: chr2-47803636-T-C. GRCh37 (hg19) VCF-style: chr2-48030775-T-C.
Other names: c.2999T>C, p.Val1000Ala (NM_001281492.2); c.2483T>C, p.Val828Ala (NM_001281493.2, NM_001281494.2, NM_001406811.1 and 6 more transcripts); c.3485T>C, p.Val1162Ala (NM_001406795.1, NM_001406802.1); c.3389T>C, p.Val1130Ala (NM_001406796.1, NM_001406800.1, NM_001406808.1 and 1 more transcripts); c.3092T>C, p.Val1031Ala (NM_001406797.1, NM_001406801.1, NM_001406805.1 and 10 more transcripts); c.3215T>C, p.Val1072Ala (NM_001406798.1); c.2864T>C, p.Val955Ala (NM_001406799.1, NM_001406806.1, NM_001406807.1); c.2525T>C, p.Val842Ala (NM_001406803.1); and 7 more; short protein forms V1000A, V57A, V1031A, V1072A, V1162A, V608A, V842A, V1104A.
Identifiers: ClinVar variation 1730873 (VCV001730873.3), dbSNP rs1669769129, ClinGen allele CA346758843.

ClinVar aggregate classification (germline): Uncertain significance (1 of 4 stars; one submission).

Conditions:
Hereditary cancer-predisposing syndrome. Also called: Neoplastic Syndromes, Hereditary; Tumor predisposition; Hereditary Cancer Syndrome; Hereditary neoplastic syndrome. Identifiers: Orphanet 140162, MedGen C0027672, MeSH D009386, MONDO:0015356.

Submission:

Ambry Genetics
Classification: Uncertain significance for Hereditary cancer-predisposing syndrome. Last evaluated: 2025-01-22. Review status: criteria provided, single submitter. Criteria: Ambry Variant Classification Scheme 2023. Collection method: clinical testing. Allele origin: germline.
Comment: The p.V1130A variant (also known as c.3389T>C), located in coding exon 5 of the MSH6 gene, results from a T to C substitution at nucleotide position 3389. The valine at codon 1130 is replaced by alanine, an amino acid with similar properties. This amino acid position is highly conserved in available vertebrate species. In addition, this alteration is predicted to be deleterious by in silico analysis. Based on the available evidence, the clinical significance of this variant remains unclear.